The following is an entry in ClinVar:

ClinVar aggregate classification (germline): Conflicting classifications of pathogenicity. Review status: criteria provided, conflicting classifications (1 of 4 stars). 4 submissions from 4 submitters: Uncertain significance (3); Likely benign (1). Last evaluated 2025-09-24.

Conditions:
Hereditary breast ovarian cancer syndrome. Also called: BRCA1- and BRCA2-Associated Hereditary Breast and Ovarian Cancer; Hereditary breast and ovarian cancer syndrome; Hereditary breast and ovarian cancer syndrome (HBOC); Hereditary breast and/or ovarian cancer syndrome; Breast and ovarian cancer; Hereditary breast and ovarian cancer. Identifiers: Orphanet 145, MedGen C0677776, MeSH D061325, MONDO:0003582. Disease mechanism: loss of function.
Hereditary cancer-predisposing syndrome. Also called: Hereditary neoplastic syndrome; Neoplastic Syndromes, Hereditary; Hereditary Cancer Syndrome; Tumor predisposition. Identifiers: Orphanet 140162, MedGen C0027672, MeSH D009386, MONDO:0015356.

Allele frequency attached by ClinVar (database versions not stated): gnomAD exomes below 0.00001.
gnomAD v4.1: 3 of 1,595,950 alleles (0.00019%); highest among the groups gnomAD compares: Non-Finnish European, 0.00026%; no homozygotes.

Submissions (4):

Labcorp Genetics (formerly Invitae), Labcorp
Classification: Uncertain significance for Hereditary breast ovarian cancer syndrome. Last evaluated: 2025-09-24. Review status: criteria provided, single submitter. Criteria: Invitae Variant Classification Sherloc (09022015). Collection method: clinical testing. Allele origin: germline.
Comment: This sequence change replaces glutamic acid, which is acidic and polar, with glycine, which is neutral and non-polar, at codon 1407 of the BRCA2 protein (p.Glu1407Gly). This variant is not present in population databases (gnomAD no frequency). This variant has not been reported in the literature in individuals affected with BRCA2-related conditions. ClinVar contains an entry for this variant (Variation ID: 660644). Invitae Evidence Modeling of protein sequence and biophysical properties (such as structural, functional, and spatial information, amino acid conservation, physicochemical variation, residue mobility, and thermodynamic stability) indicates that this missense variant is not expected to disrupt BRCA2 protein function with a negative predictive value of 95%. In summary, the available evidence is currently insufficient to determine the role of this variant in disease. Therefore, it has been classified as a Variant of Uncertain Significance.

Ambry Genetics
Classification: Uncertain significance for Hereditary cancer-predisposing syndrome. Last evaluated: 2024-06-19. Review status: criteria provided, single submitter. Criteria: Ambry Variant Classification Scheme 2023. Collection method: clinical testing. Allele origin: germline.
Comment: The p.E1407G variant (also known as c.4220A>G), located in coding exon 10 of the BRCA2 gene, results from an A to G substitution at nucleotide position 4220. The glutamic acid at codon 1407 is replaced by glycine, an amino acid with similar properties. This amino acid position is not well conserved in available vertebrate species. In addition, this alteration is predicted to be tolerated by in silico analysis. Since supporting evidence is limited at this time, the clinical significance of this alteration remains unclear.

Color Diagnostics, LLC DBA Color Health
Classification: Uncertain significance for Hereditary cancer-predisposing syndrome. Last evaluated: 2024-03-06. Review status: criteria provided, single submitter. Criteria: ACMG Guidelines, 2015. Collection method: clinical testing. Allele origin: germline.
Comment: This missense variant replaces glutamic acid with glycine at codon 1407 of the BRCA2 protein. Computational prediction suggests that this variant may not impact protein structure and function (internally defined REVEL score threshold <= 0.5, PMID: 27666373). To our knowledge, functional studies have not been reported for this variant. This variant has not been reported in individuals affected with hereditary cancer in the literature. This variant has not been identified in the general population by the Genome Aggregation Database (gnomAD). The available evidence is insufficient to determine the role of this variant in disease conclusively. Therefore, this variant is classified as a Variant of Uncertain Significance.

University of Washington Department of Laboratory Medicine, University of Washington
Classification: Likely benign for Hereditary cancer-predisposing syndrome. Last evaluated: 2023-03-23. Review status: criteria provided, single submitter. Criteria: Dines et al. (Genet Med. 2020). Collection method: curation. Allele origin: germline.
Comment: Missense variant in a coldspot region where missense variants are very unlikely to be pathogenic (PMID:31911673).

BRCA2 exon 11 coldspot. Reclassification based on statistical prior probability.

NM_000059.4(BRCA2):c.4220A>G (p.Glu1407Gly)

Gene: BRCA2 (BRCA2 DNA repair associated; plus strand). Cytogenetic location: 13q13.1.
Variant type: single nucleotide variant.
Coding change: c.4220A>G on transcript NM_000059.4 (MANE Select); coding-DNA position 4220, A replaced by G.
Protein change: p.Glu1407Gly; replaces glutamic acid 1407 with glycine.
Molecular consequence: missense variant.
Genome position (GRCh38, 1-based): chr13:32,338,575, A>G. VCF-style: chr13-32338575-A-G. GRCh37 (hg19) VCF-style: chr13-32912712-A-G.
Other names: short protein forms E1407G.
Identifiers: ClinVar variation 660644 (VCV000660644.16), dbSNP rs1593901726, ClinGen allele CA387780302.